The following is an entry in ClinVar:

ClinVar aggregate classification (germline): Uncertain significance. Review status: criteria provided, multiple submitters, no conflicts (2 of 4 stars). 2 submissions from 2 submitters: Uncertain significance (2). Last evaluated 2023-09-14.

Conditions:
Temtamy preaxial brachydactyly syndrome (TPBS). Identifiers: Orphanet 363417, MedGen C1854466, MONDO:0011533, OMIM 605282.

Allele frequency attached by ClinVar (database versions not stated): gnomAD exomes 0.00001 and 0.00002; ExAC 0.00002; ESP Exome Variant Server 0.00015; 1000 Genomes Project 30x 0.00016; 1000 Genomes Project 0.00020; gnomAD 0.00021 and 0.00022; TOPMed 0.00043.
gnomAD v4.1: 58 of 1,613,240 alleles (0.0036%); highest among the groups gnomAD compares: Admixed American, 0.052%; no homozygotes.

Submissions (2):

Blueprint Genetics
Classification: Uncertain significance. Last evaluated: 2023-09-14. Review status: criteria provided, single submitter. Criteria: ACMG Guidelines, 2015. Collection method: clinical testing. Allele origin: germline.

Labcorp Genetics (formerly Invitae), Labcorp
Classification: Uncertain significance for Temtamy preaxial brachydactyly syndrome. Last evaluated: 2022-01-14. Review status: criteria provided, single submitter. Criteria: Invitae Variant Classification Sherloc (09022015). Collection method: clinical testing. Allele origin: germline.
Comment: This sequence change replaces glutamic acid, which is acidic and polar, with lysine, which is basic and polar, at codon 779 of the CHSY1 protein (p.Glu779Lys). In summary, the available evidence is currently insufficient to determine the role of this variant in disease. Therefore, it has been classified as a Variant of Uncertain Significance. Algorithms developed to predict the effect of missense changes on protein structure and function are either unavailable or do not agree on the potential impact of this missense change (SIFT: "Deleterious"; PolyPhen-2: "Benign"; Align-GVGD: "Class C0"). ClinVar contains an entry for this variant (Variation ID: 946798). This variant has not been reported in the literature in individuals affected with CHSY1-related conditions. This variant is present in population databases (rs370264590, gnomAD 0.03%).

NM_014918.5(CHSY1):c.2335G>A (p.Glu779Lys)

Gene: CHSY1 (chondroitin sulfate synthase 1; minus strand). Cytogenetic location: 15q26.3.
Variant type: single nucleotide variant.
Coding change: c.2335G>A on transcript NM_014918.5 (MANE Select); coding-DNA position 2335, G replaced by A.
Protein change: p.Glu779Lys; replaces glutamic acid 779 with lysine.
Molecular consequence: missense variant.
Genome position (GRCh38, 1-based): chr15:101,177,462, C>T on the plus strand (G>A on the coding strand, the complement: CHSY1 is on the minus strand). VCF-style: chr15-101177462-C-T. GRCh37 (hg19) VCF-style: chr15-101717667-C-T.
Other names: short protein forms E779K.
Identifiers: ClinVar variation 946798 (VCV000946798.8), dbSNP rs370264590, ClinGen allele CA7762382.